The following is an entry in ClinVar:

NM_001195263.2(PDZD7):c.336C>T (p.Phe112=)

Gene: PDZD7 (PDZ domain containing 7; minus strand). Cytogenetic location: 10q24.31.
Variant type: single nucleotide variant.
Coding change: c.336C>T on transcript NM_001195263.2 (MANE Select); coding-DNA position 336, C replaced by T.
Protein change: p.Phe112=; no amino-acid change (phenylalanine 112 retained).
Molecular consequence: synonymous variant.
Genome position (GRCh38, 1-based): chr10:101,023,959, G>A on the plus strand (C>T on the coding strand, the complement: PDZD7 is on the minus strand). VCF-style: chr10-101023959-G-A. GRCh37 (hg19) VCF-style: chr10-102783716-G-A.
Other names: c.336C>T, p.Phe112= (NM_001351044.2, NM_024895.5).
Identifiers: ClinVar variation 1284481 (VCV001284481.15), dbSNP rs370045020, ClinGen allele CA5654438.

ClinVar aggregate classification (germline): Likely benign. Review status: criteria provided, multiple submitters, no conflicts (2 of 4 stars). 5 submissions from 5 submitters: Likely benign (3). 2 of the submissions do not count toward it. Last evaluated 2026-05-01.

Allele frequency attached by ClinVar (database versions not stated): TOPMed 0.00006; ESP Exome Variant Server 0.00008; gnomAD 0.00008 and 0.00009; ExAC 0.00009; gnomAD exomes 0.00010 and 0.00011; 1000 Genomes Project 30x 0.00031.
gnomAD v4.1: 171 of 1,614,238 alleles (0.011%); highest among the groups gnomAD compares: Non-Finnish European, 0.014%; no homozygotes.

Submissions (5):

CeGaT Center for Human Genetics Tuebingen
Classification: Likely benign. Last evaluated: 2026-05-01. Review status: criteria provided, single submitter. Criteria: CeGaT Center For Human Genetics Tuebingen Variant Classification Criteria Version 2. Collection method: clinical testing. Allele origin: germline. Affected: yes. Observed: 1 variant allele.
Comment: PDZD7: BP4, BP7

Labcorp Genetics (formerly Invitae), Labcorp
Classification: Likely benign. Last evaluated: 2025-12-01. Review status: criteria provided, single submitter. Criteria: Invitae Variant Classification Sherloc (09022015). Collection method: clinical testing. Allele origin: germline.

Blueprint Genetics
Classification: Likely benign. Last evaluated: 2023-10-27. Review status: criteria provided, single submitter. Criteria: ACMG Guidelines, 2015. Collection method: clinical testing. Allele origin: germline.

Clinical Genetics DNA and cytogenetics Diagnostics Lab, Erasmus MC, Erasmus Medical Center
Classification: Likely benign. Review status: no assertion criteria provided. Collection method: clinical testing. Allele origin: germline. Affected: yes. Study: VKGL Data-share Consensus. Not counted in ClinVar's aggregate classification.

Clinical Genetics, Academic Medical Center
Classification: Likely benign. Review status: no assertion criteria provided. Collection method: clinical testing. Allele origin: germline. Affected: yes. Study: VKGL Data-share Consensus. Not counted in ClinVar's aggregate classification.